The following is an entry in ClinVar:

NM_001256071.3(RNF213):c.9984C>T (p.His3328=)

Gene: RNF213 (ring finger protein 213; plus strand). Cytogenetic location: 17q25.3.
Variant type: single nucleotide variant.
Coding change: c.9984C>T on transcript NM_001256071.3 (MANE Select); coding-DNA position 9984, C replaced by T.
Protein change: p.His3328=; no amino-acid change (histidine 3328 retained).
Molecular consequence: synonymous variant.
Genome position (GRCh38, 1-based): chr17:80,349,802, C>T. VCF-style: chr17-80349802-C-T. GRCh37 (hg19) VCF-style: chr17-78323602-C-T.
Other names: p.His3328=; c.10131C>T, p.His3377= (NM_001410195.1, NM_020914.5).
Identifiers: ClinVar variation 3039979 (VCV003039979.5), dbSNP rs142182615, ClinGen allele CA8821260.

ClinVar aggregate classification (germline): Benign. Review status: criteria provided, multiple submitters, no conflicts (2 of 4 stars). 3 submissions from 3 submitters: Benign (2). 1 of the submissions does not count toward it. Last evaluated 2025-12-14.

Conditions:
RNF213-related disorder. Also called: RNF213-related condition.

Allele frequency attached by ClinVar (database versions not stated): 1000 Genomes Project 30x 0.00187; gnomAD 0.00139; ExAC 0.00052; 1000 Genomes Project 0.00200; ESP Exome Variant Server 0.00223.
gnomAD v4.1: 456 of 1,614,152 alleles (0.028%); highest among the groups gnomAD compares: African/African-American, 0.52%; 3 homozygotes.

Submissions (3):

Labcorp Genetics (formerly Invitae), Labcorp
Classification: Benign. Last evaluated: 2025-12-14. Review status: criteria provided, single submitter. Criteria: Invitae Variant Classification Sherloc (09022015). Collection method: clinical testing. Allele origin: germline.

Mayo Clinic Laboratories, Mayo Clinic
Classification: Benign. Last evaluated: 2024-02-22. Review status: criteria provided, single submitter. Criteria: ACMG Guidelines, 2015. Collection method: clinical testing. Allele origin: germline. Observed: 2 variant alleles.
Comment: BS1, BS2, BP4, BP7

PreventionGenetics, part of Exact Sciences
Classification: Likely benign for RNF213-related condition. Last evaluated: 2019-10-28. Review status: no assertion criteria provided. Collection method: clinical testing. Allele origin: germline. Not counted in ClinVar's aggregate classification.
Comment: This variant is classified as likely benign based on ACMG/AMP sequence variant interpretation guidelines (Richards et al. 2015 PMID: 25741868, with internal and published modifications).